The following is an entry in ClinVar:

NM_001165963.4(SCN1A):c.*1961C>T

Genes: SCN1A (sodium voltage-gated channel alpha subunit 1; minus strand), LOC102724058 (uncharacterized LOC102724058; plus strand). Cytogenetic location: 2q24.3.
Variant type: single nucleotide variant.
Coding change: c.*1961C>T on transcript NM_001165963.4 (MANE Select); 1961 bases downstream of the stop codon, C replaced by T.
Molecular consequence: 3 prime UTR variant. On other transcripts: non-coding transcript variant (1).
Genome position (GRCh38, 1-based): chr2:165,989,284, G>A on the plus strand (C>T on the coding strand, the complement: SCN1A is on the minus strand). VCF-style: chr2-165989284-G-A. GRCh37 (hg19) VCF-style: chr2-166845794-G-A.
Other names: c.*1961C>T (NM_001165964.3, NM_001202435.3, NM_001353948.2 and 11 more transcripts).
Identifiers: ClinVar variation 331856 (VCV000331856.9), dbSNP rs7577411, ClinGen allele CA10611183.

ClinVar aggregate classification (germline): Benign/Likely benign. Review status: criteria provided, multiple submitters, no conflicts (2 of 4 stars). 4 submissions from 3 submitters: Benign (3); Likely benign (1). Last evaluated 2021-05-14.

Conditions:
Migraine, familial hemiplegic, 3. Identifiers: Orphanet 569, MedGen C1864987, MONDO:0012320, OMIM 609634.
Generalized epilepsy with febrile seizures plus, type 2 (GEFSP2). Also called: GEFS+, TYPE 2. Identifiers: Orphanet 36387, MedGen C1858673, MONDO:0011461, OMIM 604403.

Allele frequency attached by ClinVar (database versions not stated): gnomAD exomes 0.01402; gnomAD 0.08173 and 0.08473; TOPMed 0.09824; 1000 Genomes Project 0.10204; 1000 Genomes Project 30x 0.11024.
gnomAD v4.1: 12,298 of 152,414 alleles (8.1%); highest among the groups gnomAD compares: African/African-American, 21%; 1,088 homozygotes.

Submissions (4):

GeneDx
Classification: Benign. Last evaluated: 2021-05-14. Review status: criteria provided, single submitter. Criteria: GeneDx Variant Classification Process June 2021. Collection method: clinical testing. Allele origin: germline. Affected: yes.

Illumina Laboratory Services, Illumina
Classification: Benign for Migraine, familial hemiplegic, 3. Last evaluated: 2018-01-13. Review status: criteria provided, single submitter. Criteria: ICSL Variant Classification Criteria 13 December 2019. Collection method: clinical testing. Allele origin: germline.
Comment: This variant was observed in the ICSL laboratory as part of a predisposition screen in an ostensibly healthy population. It had not been previously curated by ICSL or reported in the Human Gene Mutation Database (HGMD: prior to June 1st, 2018), and was therefore a candidate for classification through an automated scoring system. Utilizing variant allele frequency, disease prevalence and penetrance estimates, and inheritance mode, an automated score was calculated to assess if this variant is too frequent to cause the disease. Based on the score and internal cut-off values, a variant classified as benign is not then subjected to further curation. The score for this variant resulted in a classification of benign for this disease.

Illumina Laboratory Services, Illumina
Classification: Benign for Generalized epilepsy with febrile seizures plus, type 2. Last evaluated: 2018-01-13. Review status: criteria provided, single submitter. Criteria: ICSL Variant Classification Criteria 13 December 2019. Collection method: clinical testing. Allele origin: germline.
Comment: the same text as in the submission from Illumina Laboratory Services, Illumina above.

Breakthrough Genomics
Classification: Likely benign. Review status: criteria provided, single submitter. Criteria: ACMG Guidelines, 2015. Collection method: not provided. Allele origin: germline. Inheritance: Autosomal dominant inheritance. Affected: yes.